The following is an entry in ClinVar:

ClinVar aggregate classification (germline): Uncertain significance. Review status: criteria provided, multiple submitters, no conflicts (2 of 4 stars). 3 submissions from 3 submitters: Uncertain significance (2). 1 of the submissions does not count toward it. Last evaluated 2022-02-08.

Conditions:
Glucose-6-phosphate transport defect (GSD1B). Also called: Glycogen Storage Disease Type Ib; GSD Ib. Identifiers: Orphanet 364, Orphanet 79259, MedGen C0268146, MONDO:0009288, OMIM 232220.
Phosphate transport defect (GSD1C). Also called: GSD Ic; GLYCOGEN STORAGE DISEASE Ic. Identifiers: Orphanet 364, Orphanet 79259, MedGen C0342749, OMIM 232240.
Congenital disorder of glycosylation, type IIw. Identifiers: MedGen C5561986, MONDO:0030437, OMIM 619525.

Allele frequency attached by ClinVar (database versions not stated): gnomAD 0.00001; gnomAD exomes 0.00001; TOPMed 0.00001.

Submissions (3):

Fulgent Genetics
Classification: Uncertain significance for Glucose-6-phosphate transport defect; Phosphate transport defect; Congenital disorder of glycosylation, type IIw. Last evaluated: 2022-02-08. Review status: criteria provided, single submitter. Criteria: ACMG Guidelines, 2015. Collection method: clinical testing. Allele origin: unknown.

Labcorp Genetics (formerly Invitae), Labcorp
Classification: Uncertain significance for Glucose-6-phosphate transport defect. Last evaluated: 2022-01-12. Review status: criteria provided, single submitter. Criteria: Invitae Variant Classification Sherloc (09022015). Collection method: clinical testing. Allele origin: germline.
Comment: This sequence change replaces arginine, which is basic and polar, with tryptophan, which is neutral and slightly polar, at codon 126 of the SLC37A4 protein (p.Arg126Trp). The frequency data for this variant in the population databases is considered unreliable, as metrics indicate poor data quality at this position in the gnomAD database. This variant has not been reported in the literature in individuals affected with SLC37A4-related conditions. ClinVar contains an entry for this variant (Variation ID: 970772). In summary, the available evidence is currently insufficient to determine the role of this variant in disease. Therefore, it has been classified as a Variant of Uncertain Significance.

Natera, Inc.
Classification: Uncertain significance for Glycogen storage disease type Ib. Last evaluated: 2020-02-13. Review status: no assertion criteria provided. Collection method: clinical testing. Allele origin: germline. Not counted in ClinVar's aggregate classification.

NM_001164277.2(SLC37A4):c.376C>T (p.Arg126Trp)

Gene: SLC37A4 (solute carrier family 37 member 4; minus strand). Cytogenetic location: 11q23.3.
Variant type: single nucleotide variant.
Coding change: c.376C>T on transcript NM_001164277.2 (MANE Select); coding-DNA position 376, C replaced by T.
Protein change: p.Arg126Trp; replaces arginine 126 with tryptophan.
Molecular consequence: missense variant.
Genome position (GRCh38, 1-based): chr11:119,028,199, G>A on the plus strand (C>T on the coding strand, the complement: SLC37A4 is on the minus strand). VCF-style: chr11-119028199-G-A. GRCh37 (hg19) VCF-style: chr11-118898909-G-A.
Other names: c.376C>T, p.Arg126Trp (NM_001164278.2, NM_001164280.2, NM_001467.6); c.157C>T, p.Arg53Trp (NM_001164279.2); short protein forms R53W, R126W.
Identifiers: ClinVar variation 970772 (VCV000970772.10), dbSNP rs946341075, ClinGen allele CA229599545.